The following is an entry in ClinVar:

ClinVar aggregate classification (germline): Uncertain significance. Review status: criteria provided, multiple submitters, no conflicts (2 of 4 stars). 3 submissions from 3 submitters: Uncertain significance (3). Last evaluated 2025-03-06.

Conditions:
Hereditary cancer-predisposing syndrome. Also called: Hereditary neoplastic syndrome; Neoplastic Syndromes, Hereditary; Tumor predisposition; Hereditary Cancer Syndrome. Identifiers: Orphanet 140162, MedGen C0027672, MeSH D009386, MONDO:0015356.
Hereditary breast ovarian cancer syndrome. Also called: Hereditary breast and ovarian cancer syndrome (HBOC); Breast and ovarian cancer; Hereditary breast and/or ovarian cancer syndrome; BRCA1- and BRCA2-Associated Hereditary Breast and Ovarian Cancer; Hereditary breast and ovarian cancer syndrome; Hereditary breast and ovarian cancer. Identifiers: Orphanet 145, MedGen C0677776, MeSH D061325, MONDO:0003582. Disease mechanism: loss of function.

Allele frequency attached by ClinVar (database versions not stated): gnomAD 0.00001; TOPMed 0.00001.
gnomAD v4.1: 1 of 1,613,924 alleles (0.000062%); highest among the groups gnomAD compares: African/African-American, 0.0013%; no homozygotes.

Submissions (3):

Ambry Genetics
Classification: Uncertain significance for Hereditary cancer-predisposing syndrome. Last evaluated: 2025-03-06. Review status: criteria provided, single submitter. Criteria: Ambry Variant Classification Scheme 2023. Collection method: clinical testing. Allele origin: germline.
Comment: The p.T2399I variant (also known as c.7196C>T), located in coding exon 13 of the BRCA2 gene, results from a C to T substitution at nucleotide position 7196. The threonine at codon 2399 is replaced by isoleucine, an amino acid with similar properties. This amino acid position is not well conserved in available vertebrate species. In addition, this alteration is predicted to be tolerated by in silico analysis. Based on the available evidence, the clinical significance of this variant remains unclear.

GeneDx
Classification: Uncertain significance. Last evaluated: 2024-04-30. Review status: criteria provided, single submitter. Criteria: GeneDx Variant Classification Process June 2021. Collection method: clinical testing. Allele origin: germline. Affected: yes.
Comment: Not observed at significant frequency in large population cohorts (gnomAD); In silico analysis indicates that this missense variant does not alter protein structure/function; Also known as 7424C>T; This variant is associated with the following publications: (PMID: 31131967, 32377563, 31853058, 29884841)

Labcorp Genetics (formerly Invitae), Labcorp
Classification: Uncertain significance for Hereditary breast ovarian cancer syndrome. Last evaluated: 2023-10-11. Review status: criteria provided, single submitter. Criteria: Invitae Variant Classification Sherloc (09022015). Collection method: clinical testing. Allele origin: germline.
Comment: This sequence change replaces threonine, which is neutral and polar, with isoleucine, which is neutral and non-polar, at codon 2399 of the BRCA2 protein (p.Thr2399Ile). This variant is not present in population databases (gnomAD no frequency). This variant has not been reported in the literature in individuals affected with BRCA2-related conditions. ClinVar contains an entry for this variant (Variation ID: 185991). Advanced modeling of protein sequence and biophysical properties (such as structural, functional, and spatial information, amino acid conservation, physicochemical variation, residue mobility, and thermodynamic stability) performed at Invitae indicates that this missense variant is not expected to disrupt BRCA2 protein function. In summary, the available evidence is currently insufficient to determine the role of this variant in disease. Therefore, it has been classified as a Variant of Uncertain Significance.

NM_000059.4(BRCA2):c.7196C>T (p.Thr2399Ile)

Gene: BRCA2 (BRCA2 DNA repair associated; plus strand). Cytogenetic location: 13q13.1.
Variant type: single nucleotide variant.
Coding change: c.7196C>T on transcript NM_000059.4 (MANE Select); coding-DNA position 7196, C replaced by T.
Protein change: p.Thr2399Ile; replaces threonine 2399 with isoleucine.
Molecular consequence: missense variant.
Genome position (GRCh38, 1-based): chr13:32,355,049, C>T. VCF-style: chr13-32355049-C-T. GRCh37 (hg19) VCF-style: chr13-32929186-C-T.
Other names: short protein forms T2399I.
Identifiers: ClinVar variation 185991 (VCV000185991.12), dbSNP rs786202614, ClinGen allele CA024951.